The following is an entry in ClinVar:

NM_004974.4(KCNA2):c.544C>A (p.Leu182Met)

Gene: KCNA2 (potassium voltage-gated channel subfamily A member 2; minus strand). Cytogenetic location: 1p13.3.
Variant type: single nucleotide variant.
Coding change: c.544C>A on transcript NM_004974.4 (MANE Select); coding-DNA position 544, C replaced by A.
Protein change: p.Leu182Met; replaces leucine 182 with methionine.
Molecular consequence: missense variant.
Genome position (GRCh38, 1-based): chr1:110,604,239, G>T on the plus strand (C>A on the coding strand, the complement: KCNA2 is on the minus strand). VCF-style: chr1-110604239-G-T. GRCh37 (hg19) VCF-style: chr1-111146861-G-T.
Other names: c.544C>A, p.Leu182Met (NM_001204269.2); short protein forms L182M.
Identifiers: ClinVar variation 1005091 (VCV001005091.11), dbSNP rs367662144, ClinGen allele CA1000704.
Genomic context (GRCh38, chr1:110,604,239, plus strand): 5'-AGGTCACCCCACTACCATGCATGTCTTCATTCTCATCCCGGAAGATGGGCAATGTTTCCA[G>T]ACAGAAGCTGACAATTGAGATCAGAATCACCATGACAGACACAATAGCTATAATCCTGGC-3'
Protein context (NP_004965.1, residues 172-192): VILISIVSFC[Leu182Met]ETLPIFRDEN

ClinVar aggregate classification (germline): Uncertain significance. Review status: criteria provided, multiple submitters, no conflicts (2 of 4 stars). 2 submissions from 2 submitters: Uncertain significance (2). Last evaluated 2025-12-16.

Conditions:
Developmental and epileptic encephalopathy, 32 (DEE32). Also called: Epileptic encephalopathy, early infantile, 32. Identifiers: Orphanet 442835, MedGen C4225350, MONDO:0014607, OMIM 616366.
Inborn genetic diseases. Identifiers: MedGen C0950123, MeSH D030342.

Allele frequency attached by ClinVar (database versions not stated): gnomAD exomes 0.00001; ExAC 0.00002; gnomAD 0.00002; TOPMed 0.00002; ESP Exome Variant Server 0.00008.

Submissions (2):

Labcorp Genetics (formerly Invitae), Labcorp
Classification: Uncertain significance for Developmental and epileptic encephalopathy, 32. Last evaluated: 2025-12-16. Review status: criteria provided, single submitter. Criteria: Invitae Variant Classification Sherloc (09022015). Collection method: clinical testing. Allele origin: germline.
Comment: This sequence change replaces leucine, which is neutral and non-polar, with methionine, which is neutral and non-polar, at codon 182 of the KCNA2 protein (p.Leu182Met). This variant is present in population databases (rs367662144, gnomAD 0.0009%). This variant has not been reported in the literature in individuals affected with KCNA2-related conditions. ClinVar contains an entry for this variant (Variation ID: 1005091). Invitae Evidence Modeling of protein sequence and biophysical properties (such as structural, functional, and spatial information, amino acid conservation, physicochemical variation, residue mobility, and thermodynamic stability) indicates that this missense variant is not expected to disrupt KCNA2 protein function with a negative predictive value of 95%. In summary, the available evidence is currently insufficient to determine the role of this variant in disease. Therefore, it has been classified as a Variant of Uncertain Significance.

Ambry Genetics
Classification: Uncertain significance for Inborn genetic diseases. Last evaluated: 2019-05-31. Review status: criteria provided, single submitter. Criteria: Ambry Variant Classification Scheme 2023. Collection method: clinical testing. Allele origin: germline.
Comment: The p.L182M variant (also known as c.544C>A), located in coding exon 1 of the KCNA2 gene, results from a C to A substitution at nucleotide position 544. The leucine at codon 182 is replaced by methionine, an amino acid with highly similar properties. This amino acid position is highly conserved in available vertebrate species. In addition, the in silico prediction for this alteration is inconclusive. Since supporting evidence is limited at this time, the clinical significance of this alteration remains unclear.